The following continues an entry in ClinVar:

NM_005896.4(IDH1):c.395G>A (p.Arg132His)

Gene: IDH1. ClinVar aggregate classification (germline): Pathogenic/Likely pathogenic. Pathogenic (8); Likely pathogenic (1). ClinVar aggregate classification (somatic clinical impact): Tier I - Strong. ClinVar aggregate classification (oncogenicity): Oncogenic.

Submissions 12 to 15 of 15:

Rady Children's Institute for Genomic Medicine, Rady Children's Hospital San Diego
Classification: Pathogenic for METAPHYSEAL CHONDROMATOSIS WITH D-2-HYDROXYGLUTARIC ACIDURIA. Last evaluated: 2018-11-02. Review status: criteria provided, single submitter. Criteria: ACMG Guidelines, 2015. Collection method: clinical testing. Allele origin: germline. Affected: yes. Observed: 1 variant allele.
Comment: This variant has been previously reported as a mosaic change in patients with metaphyseal chondromatosis and elevated D-2-hydroxyglutaric aciduria (PMID: 24049096, 22025298). It is absent from the gnomAD population databases and thus is presumed to be rare. The c.395G>A, p.Arg132H variant affects a highly conserved amino acid and is predicted by multiple in silico tools to have a deleterious effect on protein function. The p.Arg132H variant results in loss of its native enzymatic activity and gain of alternative enzymatic activity (producing D-2-hydroxyglutarate) (PMID 21446021). Structural studies demonstrated that when p.Arg132 is mutated to histidine (R132H), residues in the active site are shifted to produce structural changes consistent with reduced oxidative decarboxylation of isocitrate and acquisition of the ability to convert alpha-ketoglutarate to 2HG (PMID 19935646). Excess accumulation of 2HG has been shown to lead to an elevated risk of malignant brain tumors in patients with inborn errors of 2HG metabolism (PMID 18931888). Based on the available evidence, the c.395G>A, p.Arg132H variant is classified as Pathogenic.

Baylor-Hopkins Center for Mendelian Genomics, Johns Hopkins University School of Medicine
Classification: Likely pathogenic for Enchondromatosis. Review status: criteria provided, single submitter. Criteria: ACMG Guidelines, 2015. Collection method: research. Allele origin: de novo. Affected: yes. Observed: 1 mosaic individual.

OMIM
Classification: Pathogenic for GLIOBLASTOMA MULTIFORME, SOMATIC. Last evaluated: 2014-08-21. Review status: no assertion criteria provided. Collection method: literature only. Allele origin: somatic. Not counted in ClinVar's aggregate classification.

Genomics England Pilot Project, Genomics England
Classification: Likely pathogenic for Glioma susceptibility 1. Review status: no assertion criteria provided. Criteria: ACGS Guidelines, 2016. Collection method: clinical testing. Allele origin: germline. Affected: yes. Not counted in ClinVar's aggregate classification.

Literature cited by the submitters: PubMed 27276561 (cited by Institute for Genomic Medicine (IGM) Clinical Laboratory, Nationwide Children's Hospital); PubMed 27288520 (cited by Institute for Genomic Medicine (IGM) Clinical Laboratory, Nationwide Children's Hospital); PubMed 28152414 (cited by Institute for Genomic Medicine (IGM) Clinical Laboratory, Nationwide Children's Hospital); PubMed 37267439 (cited by Institute for Genomic Medicine (IGM) Clinical Laboratory, Nationwide Children's Hospital); PubMed 19935646 (cited by Center for Genomic Medicine, Rigshospitalet, Copenhagen University Hospital and Institute for Genomic Medicine (IGM) Clinical Laboratory, Nationwide Children's Hospital); PubMed 24529257 (cited by Institute for Genomic Medicine (IGM) Clinical Laboratory, Nationwide Children's Hospital); PubMed 28330869 (cited by Institute for Genomic Medicine (IGM) Clinical Laboratory, Nationwide Children's Hospital); PubMed 22343889 (cited by Institute for Genomic Medicine (IGM) Clinical Laboratory, Nationwide Children's Hospital); PubMed 19228619 (cited by Institute for Genomic Medicine (IGM) Clinical Laboratory, Nationwide Children's Hospital); PubMed 26061751 (cited by Institute for Genomic Medicine (IGM) Clinical Laboratory, Nationwide Children's Hospital); PubMed 19246647 (cited by Institute for Genomic Medicine (IGM) Clinical Laboratory, Nationwide Children's Hospital); PubMed 33772213 (cited by Institute for Genomic Medicine (IGM) Clinical Laboratory, Nationwide Children's Hospital); PubMed 35604410 (cited by Institute for Genomic Medicine (IGM) Clinical Laboratory, Nationwide Children's Hospital); PubMed 24140581 (cited by Institute for Genomic Medicine (IGM) Clinical Laboratory, Nationwide Children's Hospital); PubMed 30326163 (cited by Institute for Genomic Medicine (IGM) Clinical Laboratory, Nationwide Children's Hospital); PubMed 19554337 (cited by Institute for Genomic Medicine (IGM) Clinical Laboratory, Nationwide Children's Hospital); PubMed 22072542 (cited by Institute for Genomic Medicine (IGM) Clinical Laboratory, Nationwide Children's Hospital); PubMed 18772396 (cited by OMIM); PubMed 21446021 (cited by OMIM); PubMed 25043048 (cited by OMIM); PubMed 36201590 (cited by OMIM).